The following is an entry in ClinVar:

NM_014795.4(ZEB2):c.462G>A (p.Glu154=)

Gene: ZEB2 (zinc finger E-box binding homeobox 2; minus strand). Cytogenetic location: 2q22.3.
Variant type: single nucleotide variant.
Coding change: c.462G>A on transcript NM_014795.4 (MANE Select); coding-DNA position 462, G replaced by A.
Protein change: p.Glu154=; no amino-acid change (glutamic acid 154 retained).
Molecular consequence: synonymous variant.
Genome position (GRCh38, 1-based): chr2:144,404,966, C>T on the plus strand (G>A on the coding strand, the complement: ZEB2 is on the minus strand). VCF-style: chr2-144404966-C-T. GRCh37 (hg19) VCF-style: chr2-145162533-C-T.
Other names: p.E154E:GAG>GAA; c.390G>A, p.Glu130= (NM_001171653.2).
Identifiers: ClinVar variation 137942 (VCV000137942.27), dbSNP rs372940559, ClinGen allele CA246156.

ClinVar aggregate classification (germline): Benign/Likely benign. Review status: criteria provided, multiple submitters, no conflicts (2 of 4 stars). 8 submissions from 8 submitters: Benign (3); Likely benign (4). 1 of the submissions does not count toward it. Last evaluated 2026-01-21.

Conditions:
ZEB2-related disorder. Also called: ZEB2-related condition.
Inborn genetic diseases. Identifiers: MedGen C0950123, MeSH D030342.
Mowat-Wilson syndrome (MOWS). Also called: Classic Mowat-Wilson Syndrome. Identifiers: Orphanet 2152, MedGen C1856113, MONDO:0009341, OMIM 235730.

Allele frequency attached by ClinVar (database versions not stated): TOPMed 0.00017; gnomAD 0.00021 and 0.00023; ExAC 0.00024; gnomAD exomes 0.00027 and 0.00037; ESP Exome Variant Server 0.00031.
gnomAD v4.1: 574 of 1,614,122 alleles (0.036%); highest among the groups gnomAD compares: Non-Finnish European, 0.044%; no homozygotes.

Submissions (8):

Labcorp Genetics (formerly Invitae), Labcorp
Classification: Likely benign for Mowat-Wilson syndrome. Last evaluated: 2026-01-21. Review status: criteria provided, single submitter. Criteria: Invitae Variant Classification Sherloc (09022015). Collection method: clinical testing. Allele origin: germline.

Blueprint Genetics
Classification: Likely benign. Last evaluated: 2024-10-10. Review status: criteria provided, single submitter. Criteria: ACMG Guidelines, 2015. Collection method: clinical testing. Allele origin: germline.

Genome-Nilou Lab
Classification: Benign for Mowat-Wilson syndrome. Last evaluated: 2021-11-07. Review status: criteria provided, single submitter. Criteria: ACMG Guidelines, 2015. Collection method: clinical testing. Allele origin: germline. Affected: no.

Ambry Genetics
Classification: Likely benign for Inborn genetic diseases. Last evaluated: 2017-10-13. Review status: criteria provided, single submitter. Criteria: Ambry Variant Classification Scheme 2023. Collection method: clinical testing. Allele origin: germline.

Genetic Services Laboratory, University of Chicago
Classification: Benign. Last evaluated: 2016-03-30. Review status: criteria provided, single submitter. Criteria: ACMG Guidelines, 2015. Collection method: clinical testing. Allele origin: germline. Affected: no.

Eurofins Ntd Llc (ga)
Classification: Likely benign. Last evaluated: 2016-01-07. Review status: criteria provided, single submitter. Criteria: EGL Classification Definitions 2015. Collection method: clinical testing. Allele origin: germline. Observed: 2 variant alleles, 2 heterozygotes.

GeneDx
Classification: Benign. Last evaluated: 2014-05-02. Review status: criteria provided, single submitter. Criteria: GeneDx Variant Classification (06012015). Collection method: clinical testing. Allele origin: germline. Affected: yes.
Comment: This variant is considered likely benign or benign based on one or more of the following criteria: it is a conservative change, it occurs at a poorly conserved position in the protein, it is predicted to be benign by multiple in silico algorithms, and/or has population frequency not consistent with disease.

PreventionGenetics, part of Exact Sciences
Classification: Likely benign for ZEB2-related condition. Last evaluated: 2023-04-19. Review status: no assertion criteria provided. Collection method: clinical testing. Allele origin: germline. Not counted in ClinVar's aggregate classification.
Comment: This variant is classified as likely benign based on ACMG/AMP sequence variant interpretation guidelines (Richards et al. 2015 PMID: 25741868, with internal and published modifications).